The following is an entry in ClinVar:

ClinVar aggregate classification (germline): Likely benign. Review status: criteria provided, multiple submitters, no conflicts (2 of 4 stars). 3 submissions from 3 submitters: Likely benign (2). 1 of the submissions does not count toward it. Last evaluated 2026-01-08.

Conditions:
CARD9-related disorder. Also called: CARD9-related condition.
Predisposition to invasive fungal disease due to CARD9 deficiency (IMD103). Also called: CARD9 IMMUNODEFICIENCY; IMMUNODEFICIENCY 103, SUSCEPTIBILITY TO FUNGAL INFECTIONS; Candidiasis, familial, 2, autosomal recessive. Identifiers: Orphanet 457088, MedGen C1859353, MONDO:0008905, OMIM 212050.

Allele frequency attached by ClinVar (database versions not stated): gnomAD 0.00011 and 0.00012; gnomAD exomes 0.00029 and 0.00069; TOPMed 0.00029; ExAC 0.00084.
gnomAD v4.1: 188 of 1,600,380 alleles (0.012%); highest among the groups gnomAD compares: Admixed American, 0.31%; 2 homozygotes.

Submissions (3):

Labcorp Genetics (formerly Invitae), Labcorp
Classification: Likely benign for Predisposition to invasive fungal disease due to CARD9 deficiency. Last evaluated: 2026-01-08. Review status: criteria provided, single submitter. Criteria: Invitae Variant Classification Sherloc (09022015). Collection method: clinical testing. Allele origin: germline.

Blueprint Genetics
Classification: Likely benign. Last evaluated: 2024-04-23. Review status: criteria provided, single submitter. Criteria: ACMG Guidelines, 2015. Collection method: clinical testing. Allele origin: germline.

PreventionGenetics, part of Exact Sciences
Classification: Likely benign for CARD9-related condition. Last evaluated: 2022-02-01. Review status: no assertion criteria provided. Collection method: clinical testing. Allele origin: germline. Not counted in ClinVar's aggregate classification.
Comment: This variant is classified as likely benign based on ACMG/AMP sequence variant interpretation guidelines (Richards et al. 2015 PMID: 25741868, with internal and published modifications).

NM_052813.5(CARD9):c.951+4G>A

Gene: CARD9 (caspase recruitment domain family member 9; minus strand). Cytogenetic location: 9q34.3.
Variant type: single nucleotide variant.
Coding change: c.951+4G>A on transcript NM_052813.5 (MANE Select); 4 bases into the intron after coding-DNA position 951, G replaced by A.
Molecular consequence: intron variant.
Genome position (GRCh38, 1-based): chr9:136,370,290, C>T on the plus strand (G>A on the coding strand, the complement: CARD9 is on the minus strand). VCF-style: chr9-136370290-C-T. GRCh37 (hg19) VCF-style: chr9-139264742-C-T.
Other names: c.951+4G>A (NM_052814.4).
Identifiers: ClinVar variation 467800 (VCV000467800.14), dbSNP rs757527643, ClinGen allele CA5332925.